The following is an entry in ClinVar:

ClinVar aggregate classification (germline): Uncertain significance (1 of 4 stars; one submission).

Conditions:
Primary ciliary dyskinesia 27. Also called: CILIARY DYSKINESIA, PRIMARY, 27, WITHOUT SITUS INVERSUS. Identifiers: Orphanet 244, MedGen C3809701, MONDO:0014215, OMIM 615504.

Allele frequency attached by ClinVar (database versions not stated): gnomAD exomes below 0.00001.
gnomAD v4.1: 4 of 1,614,118 alleles (0.00025%); highest among the groups gnomAD compares: Non-Finnish European, 0.00034%; no homozygotes.

Submission:

Labcorp Genetics (formerly Invitae), Labcorp
Classification: Uncertain significance for Primary ciliary dyskinesia 27. Last evaluated: 2022-05-07. Review status: criteria provided, single submitter. Criteria: Invitae Variant Classification Sherloc (09022015). Collection method: clinical testing. Allele origin: germline.
Comment: This sequence change replaces valine, which is neutral and non-polar, with isoleucine, which is neutral and non-polar, at codon 302 of the CCDC65 protein (p.Val302Ile). This variant is present in population databases (no rsID available, gnomAD 0.0009%). This variant has not been reported in the literature in individuals affected with CCDC65-related conditions. Algorithms developed to predict the effect of missense changes on protein structure and function output the following: SIFT: "Tolerated"; PolyPhen-2: "Benign"; Align-GVGD: "Class C0". The isoleucine amino acid residue is found in multiple mammalian species, which suggests that this missense change does not adversely affect protein function. In summary, the available evidence is currently insufficient to determine the role of this variant in disease. Therefore, it has been classified as a Variant of Uncertain Significance.

NM_033124.5(DRC2):c.904G>A (p.Val302Ile)

Gene: DRC2 (dynein regulatory complex subunit 2; plus strand). Cytogenetic location: 12q13.12.
Variant type: single nucleotide variant.
Coding change: c.904G>A on transcript NM_033124.5 (MANE Select); coding-DNA position 904, G replaced by A.
Protein change: p.Val302Ile; replaces valine 302 with isoleucine.
Molecular consequence: missense variant.
Genome position (GRCh38, 1-based): chr12:48,918,781, G>A. VCF-style: chr12-48918781-G-A. GRCh37 (hg19) VCF-style: chr12-49312564-G-A.
Other names: c.475G>A, p.Val159Ile (NM_001286957.2); short protein forms V302I, V159I.
Identifiers: ClinVar variation 1926536 (VCV001926536.2), dbSNP rs1471411320, ClinGen allele CA384632169.